The following is an entry in ClinVar:

ClinVar aggregate classification (germline): Uncertain significance (1 of 4 stars; one submission).

Conditions:
Hereditary cancer-predisposing syndrome. Also called: Hereditary Cancer Syndrome; Hereditary neoplastic syndrome; Neoplastic Syndromes, Hereditary; Tumor predisposition. Identifiers: Orphanet 140162, MedGen C0027672, MeSH D009386, MONDO:0015356.

gnomAD v4.1: 1 of 1,613,900 alleles (0.000062%); highest among the groups gnomAD compares: Non-Finnish European, 0.000085%; no homozygotes.

Submission:

Ambry Genetics
Classification: Uncertain significance for Hereditary cancer-predisposing syndrome. Last evaluated: 2025-08-08. Review status: criteria provided, single submitter. Criteria: Ambry Variant Classification Scheme 2023. Collection method: clinical testing. Allele origin: germline.
Comment: The p.Q1551H variant (also known as c.4653A>C), located in coding exon 10 of the BRCA2 gene, results from an A to C substitution at nucleotide position 4653. The glutamine at codon 1551 is replaced by histidine, an amino acid with highly similar properties. This amino acid position is conserved. In addition, this alteration is predicted to be tolerated by in silico analysis. Based on the available evidence, the clinical significance of this variant remains unclear.

NM_000059.4(BRCA2):c.4653A>C (p.Gln1551His)

Gene: BRCA2 (BRCA2 DNA repair associated; plus strand). Cytogenetic location: 13q13.1.
Variant type: single nucleotide variant.
Coding change: c.4653A>C on transcript NM_000059.4 (MANE Select); coding-DNA position 4653, A replaced by C.
Protein change: p.Gln1551His; replaces glutamine 1551 with histidine.
Molecular consequence: missense variant. On other transcripts: non-coding transcript variant (1), intron variant (2).
Genome position (GRCh38, 1-based): chr13:32,339,008, A>C. VCF-style: chr13-32339008-A-C. GRCh37 (hg19) VCF-style: chr13-32913145-A-C.
Other names: c.4653A>C, p.Gln1551His (NM_001406719.1, NM_001406720.1, NM_001432077.1); c.1910-5550A>C (NM_001406721.1); c.425-5550A>C (NM_001406722.1); short protein forms Q1551H.
Identifiers: ClinVar variation 4215904 (VCV004215904.1).